The following is an entry in ClinVar:

NM_001277115.2(DNAH11):c.4726-1G>A

Gene: DNAH11 (dynein axonemal heavy chain 11; plus strand). Cytogenetic location: 7p15.3.
Variant type: single nucleotide variant.
Coding change: c.4726-1G>A on transcript NM_001277115.2 (MANE Select); the canonical splice acceptor site of the intron before coding-DNA position 4726, G replaced by A.
Molecular consequence: splice acceptor variant.
Genome position (GRCh38, 1-based): chr7:21,637,610, G>A. VCF-style: chr7-21637610-G-A. GRCh37 (hg19) VCF-style: chr7-21677228-G-A.
Identifiers: ClinVar variation 2734975 (VCV002734975.4), dbSNP rs72657326, ClinGen allele CA155068340.

ClinVar aggregate classification (germline): Pathogenic. Review status: criteria provided, multiple submitters, no conflicts (2 of 4 stars). 2 submissions from 2 submitters: Pathogenic (2). Last evaluated 2025-02-12.

Conditions:
Primary ciliary dyskinesia. Also called: Ciliary dyskinesia. Identifiers: Orphanet 244, MedGen C0008780, MONDO:0016575, HP:0012265.
Primary ciliary dyskinesia 7. Also called: CILIARY DYSKINESIA, PRIMARY, 7, WITH OR WITHOUT SITUS INVERSUS. Identifiers: Orphanet 244, MedGen C2678473, MONDO:0012748, OMIM 611884.

gnomAD v4.1: 1 of 1,572,000 alleles (0.000064%); highest among the groups gnomAD compares: Non-Finnish European, 0.000087%; no homozygotes.

Submissions (2):

Broad Center for Mendelian Genomics, Broad Institute of MIT and Harvard
Classification: Pathogenic for Primary ciliary dyskinesia 7. Last evaluated: 2025-02-12. Review status: criteria provided, single submitter. Criteria: ACMG Guidelines, 2015. Collection method: curation. Allele origin: germline. Inheritance: Autosomal recessive inheritance.
Comment: The c.4726-1G>A variant in DNAH11 has been reported, in the compound heterozygous state, in 1 individual with primary ciliary dyskinesia (PMID: 22184204), and has been identified in 0.00009% (1/1154228) of European (non-Finnish) chromosomes by the Genome Aggregation Database (gnomAD; dbSNP ID: rs72657326). Although this variant has been seen in the general population in a heterozygous state, its frequency is low enough to be consistent with a recessive carrier frequency. This variant has also been reported in ClinVar (Variation ID: 2734975) and has been interpreted as pathogenic by Invitae. cDNA analysis performed on affected tissue shows this variant is predicted to lead to exon skipping of exon 27 (PMID: 22184204). This variant is located in the 5' splice region. Computational tools predict a splicing impact, though this information is not predictive enough to determine pathogenicity. Loss of function of the DNAH11 gene is an established disease mechanism in autosomal recessive primary ciliary dyskinesia. In summary, this variant meets criteria to be classified as pathogenic for autosomal recessive primary ciliary dyskinesia. ACMG/AMP Criteria applied: PVS1, PM2_supporting, PM3 (Richards 2015).

Labcorp Genetics (formerly Invitae), Labcorp
Classification: Pathogenic for Primary ciliary dyskinesia. Last evaluated: 2024-03-12. Review status: criteria provided, single submitter. Criteria: Invitae Variant Classification Sherloc (09022015). Collection method: clinical testing. Allele origin: germline.
Comment: This sequence change affects an acceptor splice site in intron 26 of the DNAH11 gene. RNA analysis indicates that disruption of this splice site induces altered splicing and may result in an absent or disrupted protein product. This variant is not present in population databases (gnomAD no frequency). Disruption of this splice site has been observed in individual(s) with primary ciliary dyskinesia (PMID: 22184204). In at least one individual the data is consistent with being in trans (on the opposite chromosome) from a pathogenic variant. It has also been observed to segregate with disease in related individuals. Studies have shown that disruption of this splice site results in skipping of exon 27 and introduces a premature termination codon (PMID: 22184204). The resulting mRNA is expected to undergo nonsense-mediated decay. For these reasons, this variant has been classified as Pathogenic.

Literature cited by the submitters: PubMed 22184204 (cited by Labcorp Genetics (formerly Invitae), Labcorp).